The following is an entry in ClinVar:

ClinVar aggregate classification (germline): Uncertain significance (1 of 4 stars; one submission).

Allele frequency attached by ClinVar (database versions not stated): gnomAD exomes below 0.00001; TOPMed below 0.00001.
gnomAD v4.1: 4 of 1,613,990 alleles (0.00025%); highest among the groups gnomAD compares: Middle Eastern, 0.016%; no homozygotes.

Submission:

Ambry Genetics
Classification: Uncertain significance. Last evaluated: 2023-12-10. Review status: criteria provided, single submitter. Criteria: Ambry Variant Classification Scheme 2023. Collection method: clinical testing. Allele origin: germline.
Comment: The p.Q244R variant (also known as c.731A>G), located in coding exon 2 of the TERF2IP gene, results from an A to G substitution at nucleotide position 731. The glutamine at codon 244 is replaced by arginine, an amino acid with highly similar properties. This amino acid position is conserved. In addition, this alteration is predicted to be tolerated by in silico analysis. Since supporting evidence is limited at this time, the clinical significance of this alteration remains unclear.

NM_018975.4(TERF2IP):c.731A>G (p.Gln244Arg)

Gene: TERF2IP (TERF2 interacting protein; plus strand). Cytogenetic location: 16q23.1.
Variant type: single nucleotide variant.
Coding change: c.731A>G on transcript NM_018975.4 (MANE Select); coding-DNA position 731, A replaced by G.
Protein change: p.Gln244Arg; replaces glutamine 244 with arginine.
Molecular consequence: missense variant. On other transcripts: non-coding transcript variant (1).
Genome position (GRCh38, 1-based): chr16:75,654,333, A>G. VCF-style: chr16-75654333-A-G. GRCh37 (hg19) VCF-style: chr16-75688231-A-G.
Other names: short protein forms Q244R.
Identifiers: ClinVar variation 3227202 (VCV003227202.1), dbSNP rs894686641, ClinGen allele CA396819117.
Genomic context (GRCh38, chr16:75,654,333, plus strand): 5'-AACCACAGAATAAGAGAACTCCAGATTTGCCTGAAGAAGAGTATGTGAAGGAAGAAATCC[A>G]GGAGAATGAAGAAGCAGTCAAAAAGATGCTTGTGGAAGCCACCCGGGAGTTTGAGGAGGT-3'
Protein context (NP_061848.2, residues 234-254): PEEEYVKEEI[Gln244Arg]ENEEAVKKML